The following is an entry in ClinVar:

NM_153676.4(USH1C):c.760-1G>T

Gene: USH1C (USH1 protein network component harmonin; minus strand). Cytogenetic location: 11p15.1.
Variant type: single nucleotide variant.
Coding change: c.760-1G>T on transcript NM_153676.4 (MANE Select); the canonical splice acceptor site of the intron before coding-DNA position 760, G replaced by T.
Molecular consequence: splice acceptor variant.
Genome position (GRCh38, 1-based): chr11:17,523,479, C>A on the plus strand (G>T on the coding strand, the complement: USH1C is on the minus strand). VCF-style: chr11-17523479-C-A. GRCh37 (hg19) VCF-style: chr11-17545026-C-A.
Other names: c.760-1G>T (NM_001297764.2, NM_005709.4).
Identifiers: ClinVar variation 553618 (VCV000553618.6), dbSNP rs1187887456, ClinGen allele CA379790381.
Genomic context (GRCh38, chr11:17,523,479, plus strand): 5'-CTCCTTGTGATCCAGGTTAGAGAAGTCGACGCCATTGACTTCGACAATCTGGTCCCCTAT[C>A]TGGTGGGGAAATGGAGAAAGATTAGTGTGTTTGCGCTATCTGTACACTCGCTCATCTGCA-3'

ClinVar aggregate classification (germline): Likely pathogenic. Review status: criteria provided, multiple submitters, no conflicts (2 of 4 stars). 4 submissions from 4 submitters: Likely pathogenic (3). 1 of the submissions does not count toward it. Last evaluated 2024-03-10.

Conditions:
USH1C-related disorder. Also called: USH1C-related condition.
Autosomal recessive nonsyndromic hearing loss 18A. Also called: DEAFNESS, AUTOSOMAL RECESSIVE 18; Deafness, autosomal recessive 18A. Identifiers: Orphanet 90636, MedGen C1865870, MONDO:0011192, OMIM 602092.
Usher syndrome type 1C. Also called: USHER SYNDROME, TYPE I, ACADIAN VARIETY. Identifiers: Orphanet 231169, Orphanet 886, MedGen C1848604, MONDO:0010171, OMIM 276904.

Allele frequency attached by ClinVar (database versions not stated): TOPMed 0.00001; gnomAD 0.00003 and 0.00004.
gnomAD v4.1: 5 of 1,614,038 alleles (0.00031%); highest among the groups gnomAD compares: Non-Finnish European, 0.00042%; no homozygotes.

Submissions (4):

Labcorp Genetics (formerly Invitae), Labcorp
Classification: Likely pathogenic. Last evaluated: 2024-03-10. Review status: criteria provided, single submitter. Criteria: Invitae Variant Classification Sherloc (09022015). Collection method: clinical testing. Allele origin: germline.
Comment: This sequence change affects an acceptor splice site in intron 9 of the USH1C gene. It is expected to disrupt RNA splicing. Variants that disrupt the donor or acceptor splice site typically lead to a loss of protein function (PMID: 16199547), and loss-of-function variants in USH1C are known to be pathogenic (PMID: 10973247, 17407589, 20301442, 21203349). This variant is present in population databases (no rsID available, gnomAD 0.007%). This variant has not been reported in the literature in individuals affected with USH1C-related conditions. ClinVar contains an entry for this variant (Variation ID: 553618). Algorithms developed to predict the effect of sequence changes on RNA splicing suggest that this variant may disrupt the consensus splice site. In summary, the currently available evidence indicates that the variant is pathogenic, but additional data are needed to prove that conclusively. Therefore, this variant has been classified as Likely Pathogenic.

Baylor Genetics
Classification: Likely pathogenic for Autosomal recessive nonsyndromic hearing loss 18A. Last evaluated: 2023-05-15. Review status: criteria provided, single submitter. Criteria: ACMG Guidelines, 2015. Collection method: clinical testing. Allele origin: unknown.

Blueprint Genetics
Classification: Likely pathogenic for USH1C-related disorders. Last evaluated: 2022-04-12. Review status: criteria provided, single submitter. Criteria: ACMG Guidelines, 2015. Collection method: clinical testing. Allele origin: germline. Affected: yes. Observed: 1 variant allele.

Counsyl
Classification: Likely pathogenic for Usher syndrome type 1C; Autosomal recessive nonsyndromic hearing loss 18A. Last evaluated: 2017-08-31. Review status: no assertion criteria provided. Collection method: clinical testing. Allele origin: unknown. Not counted in ClinVar's aggregate classification.

Literature cited by the submitters: PubMed 16199547 (cited by Labcorp Genetics (formerly Invitae), Labcorp); PubMed 10973247 (cited by Labcorp Genetics (formerly Invitae), Labcorp); PubMed 17407589 (cited by Labcorp Genetics (formerly Invitae), Labcorp); PubMed 20301442 (cited by Labcorp Genetics (formerly Invitae), Labcorp); PubMed 21203349 (cited by Labcorp Genetics (formerly Invitae), Labcorp).